The following is an entry in ClinVar:

ClinVar aggregate classification (germline): Pathogenic/Likely pathogenic. Review status: criteria provided, multiple submitters, no conflicts (2 of 4 stars). 7 submissions from 7 submitters: Pathogenic (5); Likely pathogenic (1). 1 of the submissions does not count toward it. Last evaluated 2022-10-19.

Conditions:
Marfan syndrome (MFS). Also called: FBN1-Related Marfan Syndrome; Marfan syndrome, classic; MARFAN SYNDROME, TYPE I; Marfan syndrome type 1; Marfan's syndrome. Identifiers: Orphanet 284963, Orphanet 558, MedGen C0024796, MONDO:0007947, OMIM 154700.
Familial thoracic aortic aneurysm and aortic dissection (TAAD). Also called: Thoracic aortic aneurysms and dissections. Identifiers: Orphanet 91387, MedGen C4707243, MONDO:0019625.

Submissions (7):

Clinical Genetics Laboratory, Skane University Hospital Lund
Classification: Likely pathogenic. Last evaluated: 2022-10-19. Review status: criteria provided, single submitter. Criteria: ACMG Guidelines, 2015. Collection method: clinical testing. Allele origin: germline. Affected: yes.

Centre of Medical Genetics, University of Antwerp
Classification: Pathogenic for Marfan syndrome. Last evaluated: 2021-03-01. Review status: criteria provided, single submitter. Criteria: Submitter's publication. Collection method: research. Allele origin: unknown. Affected: yes.
Comment: PM2, PVS2, PP4

GeneDx
Classification: Pathogenic. Last evaluated: 2021-01-27. Review status: criteria provided, single submitter. Criteria: GeneDx Variant Classification Process June 2021. Collection method: clinical testing. Allele origin: germline. Affected: yes.
Comment: Not observed in large population cohorts (Lek et al., 2016); In silico analysis supports that this missense variant has a deleterious effect on protein structure/function; Affects a cysteine residue within a calcium-binding EGF-like domain of the FBN1 gene, which may affect disulfide bonding and is predicted to alter the structure and function of the protein; cysteine substitutions in the calcium-binding EGF-like domains represent the majority of pathogenic missense changes associated with FBN1-related disorders (Collod-Beroud et al., 2003); Reported in ClinVar as pathogenic (ClinVar Variant ID# 42327; Landrum et al., 2016); This variant is associated with the following publications: (PMID: 11700157)

Labcorp Genetics (formerly Invitae), Labcorp
Classification: Pathogenic for Marfan syndrome; Familial thoracic aortic aneurysm and aortic dissection. Last evaluated: 2018-05-07. Review status: criteria provided, single submitter. Criteria: Invitae Variant Classification Sherloc (09022015). Collection method: clinical testing. Allele origin: germline.
Comment: Other missense substitutions at this codon (p.Cys1055Trp and p.Cys1055Gly) have been determined to be pathogenic (PMID: 11700157, 8863159, 16342915, 14586646). This suggests that the cysteine residue is critical for FBN1 protein function and that other missense substitutions at this position may also be pathogenic. For these reasons, this variant has been classified as Pathogenic. This variant affects a cysteine residue located within an epidermal-growth-factor (EGF)–like domain of the FBN1 protein. Cysteine residues in these domains have been shown to be involved in the formation of disulfide bridges, which are critical for FBN1 protein structure and stability (PMID: 10486319, 3495735, 4750422, 16677079). In addition, missense substitutions within the FBN1 EGF-like domains affecting cysteine residues are significantly overrepresented among patients with Marfan syndrome (PMID: 16571647, 17701892). This variant has been reported in individuals affected with Marfan syndrome (PMID: 11700157, 24199744). ClinVar contains an entry for this variant (Variation ID: 42327). This variant is not present in population databases (ExAC no frequency). This sequence change replaces cysteine with tyrosine at codon 1055 of the FBN1 protein (p.Cys1055Tyr). The cysteine residue is highly conserved and there is a large physicochemical difference between cysteine and tyrosine.

Laboratory for Molecular Medicine, Mass General Brigham Personalized Medicine
Classification: Pathogenic for Marfan syndrome. Last evaluated: 2009-05-28. Review status: criteria provided, single submitter. Criteria: LMM Criteria. Collection method: clinical testing. Allele origin: germline. Observed: 1 variant allele.

Neuberg Centre For Genomic Medicine, NCGM
Classification: Pathogenic for Marfan syndrome. Review status: criteria provided, single submitter. Criteria: ACMG Guidelines, 2015. Collection method: clinical testing. Allele origin: germline. Affected: yes.
Comment: The missense variant p.C1055Y in FBN1 (NM_000138.5) causes the same amino acid change as a previously established pathogenic variant. This variant has been reported in individuals affected with Marfan syndrome (Loeys B et al, 2001; Pees C et al, 2014). The p.C1055Y variant is novel (not in any individuals) in gnomAD Exomes and is novel (not in any individuals) in 1000 Genomes. This variant affects a cysteine residue located within an epidermal-growth-factor (EGF) like domain of the FBN1 protein. Cysteine residues in these domains have been shown to be involved in the formation of disulfide bridges, which are critical for FBN1 protein structure and stability (Whiteman P et al, 2006; Savage Jr CR, 1973). In addition, missense substitutions within the FBN1 EGF-like domains affecting cysteine residues are significantly overrepresented among patients with Marfan syndrome (Robinson P et al, 2006). The gene FBN1 contains 664 pathogenic missense variants, indicating that missense variants are a common mechanism of disease in this gene. 7 variants within 6 amino acid positions of the variant p.C1055Y have been shown to be pathogenic, while none have been shown to be benign. The p.C1055Y missense variant is predicted to be damaging by both SIFT and PolyPhen2. The cysteine residue at codon 1055 of FBN1 is conserved in all mammalian species. The nucleotide c.3164 in FBN1 is predicted conserved by GERP++ and PhyloP across 100 vertebrates. For these reasons, this variant has been classified as Pathogenic.

Center for Medical Genetics Ghent, University of Ghent
Classification: Pathogenic for Marfan syndrome. Last evaluated: 2017-11-07. Review status: no assertion criteria provided. Collection method: clinical testing. Allele origin: germline. Affected: yes. Not counted in ClinVar's aggregate classification.

Literature cited by the submitters: PubMed 11700157 (cited by Labcorp Genetics (formerly Invitae), Labcorp and Laboratory for Molecular Medicine, Mass General Brigham Personalized Medicine); PubMed 8863159 (cited by Labcorp Genetics (formerly Invitae), Labcorp and Laboratory for Molecular Medicine, Mass General Brigham Personalized Medicine); PubMed 16342915 (cited by Labcorp Genetics (formerly Invitae), Labcorp); PubMed 14586646 (cited by Labcorp Genetics (formerly Invitae), Labcorp); PubMed 10486319 (cited by Labcorp Genetics (formerly Invitae), Labcorp); PubMed 3495735 (cited by Labcorp Genetics (formerly Invitae), Labcorp); PubMed 4750422 (cited by Labcorp Genetics (formerly Invitae), Labcorp); PubMed 16677079 (cited by Labcorp Genetics (formerly Invitae), Labcorp); PubMed 16571647 (cited by Labcorp Genetics (formerly Invitae), Labcorp); PubMed 17701892 (cited by Labcorp Genetics (formerly Invitae), Labcorp); PubMed 24199744 (cited by Labcorp Genetics (formerly Invitae), Labcorp).

NM_000138.5(FBN1):c.3164G>A (p.Cys1055Tyr)

Gene: FBN1 (fibrillin 1; minus strand). Cytogenetic location: 15q21.1.
Variant type: single nucleotide variant.
Coding change: c.3164G>A on transcript NM_000138.5 (MANE Select); coding-DNA position 3164, G replaced by A.
Protein change: p.Cys1055Tyr; replaces cysteine 1055 with tyrosine.
Molecular consequence: missense variant.
Genome position (GRCh38, 1-based): chr15:48,488,412, C>T on the plus strand (G>A on the coding strand, the complement: FBN1 is on the minus strand). VCF-style: chr15-48488412-C-T. GRCh37 (hg19) VCF-style: chr15-48780609-C-T.
Other names: short protein forms C1055Y.
Identifiers: ClinVar variation 42327 (VCV000042327.32), dbSNP rs397515786, ClinGen allele CA013837.